The following is an entry in ClinVar:

ClinVar aggregate classification (germline): Benign. Review status: criteria provided, multiple submitters, no conflicts (2 of 4 stars). 8 submissions from 8 submitters: Benign (7). 1 of the submissions does not count toward it. Last evaluated 2026-02-04.

Conditions:
Ehlers-Danlos syndrome (EDS). Identifiers: Orphanet 98249, MedGen C0013720, MONDO:0020066.
Ehlers-Danlos syndrome, dermatosparaxis type. Also called: Ehlers-Danlos syndrome, type VII, autosomal recessive; EDS VIIC; Dermatosparaxis. Identifiers: Orphanet 1901, MedGen C2700425, MONDO:0009161, OMIM 225410.

Allele frequency attached by ClinVar (database versions not stated): gnomAD 0.02644 and 0.02744; gnomAD exomes 0.02685 and 0.03647; ESP Exome Variant Server 0.02768; 1000 Genomes Project 0.01078; 1000 Genomes Project 30x 0.01140; TOPMed 0.02332; ExAC 0.02608.
gnomAD v4.1: 56,945 of 1,613,766 alleles (3.5%); highest among the groups gnomAD compares: Non-Finnish European, 4.2%; 1,240 homozygotes.

Submissions (8):

Labcorp Genetics (formerly Invitae), Labcorp
Classification: Benign for Ehlers-Danlos syndrome, dermatosparaxis type. Last evaluated: 2026-02-04. Review status: criteria provided, single submitter. Criteria: Invitae Variant Classification Sherloc (09022015). Collection method: clinical testing. Allele origin: germline.

Blueprint Genetics
Classification: Benign. Last evaluated: 2024-11-22. Review status: criteria provided, single submitter. Criteria: ACMG Guidelines, 2015. Collection method: clinical testing. Allele origin: germline.

Genome Diagnostics Laboratory, The Hospital for Sick Children
Classification: Benign for Ehlers-Danlos syndrome. Last evaluated: 2022-07-16. Review status: criteria provided, single submitter. Criteria: ACMG Guidelines, 2015. Collection method: clinical testing. Allele origin: germline.

Women's Health and Genetics/Laboratory Corporation of America, LabCorp
Classification: Benign. Last evaluated: 2020-03-20. Review status: criteria provided, single submitter. Criteria: LabCorp Variant Classification Summary - May 2015. Collection method: clinical testing. Allele origin: germline.

Mayo Clinic Laboratories, Mayo Clinic
Classification: Benign. Last evaluated: 2019-03-13. Review status: criteria provided, single submitter. Criteria: ACMG Guidelines, 2015. Collection method: clinical testing. Allele origin: germline. Observed: 352 variant alleles.

Illumina Laboratory Services, Illumina
Classification: Benign for Ehlers-Danlos syndrome, dermatosparaxis type. Last evaluated: 2018-01-12. Review status: criteria provided, single submitter. Criteria: ICSL Variant Classification Criteria 13 December 2019. Collection method: clinical testing. Allele origin: germline.
Comment: This variant was observed in the ICSL laboratory as part of a predisposition screen in an ostensibly healthy population. It had not been previously curated by ICSL or reported in the Human Gene Mutation Database (HGMD: prior to June 1st, 2018), and was therefore a candidate for classification through an automated scoring system. Utilizing variant allele frequency, disease prevalence and penetrance estimates, and inheritance mode, an automated score was calculated to assess if this variant is too frequent to cause the disease. Based on the score and internal cut-off values, a variant classified as benign is not then subjected to further curation. The score for this variant resulted in a classification of benign for this disease.

GeneDx
Classification: Benign. Last evaluated: 2016-10-10. Review status: criteria provided, single submitter. Criteria: GeneDx Variant Classification (06012015). Collection method: clinical testing. Allele origin: germline. Affected: yes.
Comment: This variant is considered likely benign or benign based on one or more of the following criteria: it is a conservative change, it occurs at a poorly conserved position in the protein, it is predicted to be benign by multiple in silico algorithms, and/or has population frequency not consistent with disease.

Natera, Inc.
Classification: Benign for Ehlers-Danlos syndrome type VIIC. Last evaluated: 2020-09-16. Review status: no assertion criteria provided. Collection method: clinical testing. Allele origin: germline. Not counted in ClinVar's aggregate classification.

NM_014244.5(ADAMTS2):c.936C>T (p.Asn312=)

Gene: ADAMTS2 (ADAM metallopeptidase with thrombospondin type 1 motif 2; minus strand). Cytogenetic location: 5q35.3.
Variant type: single nucleotide variant.
Coding change: c.936C>T on transcript NM_014244.5 (MANE Select); coding-DNA position 936, C replaced by T.
Protein change: p.Asn312=; no amino-acid change (asparagine 312 retained).
Molecular consequence: synonymous variant.
Genome position (GRCh38, 1-based): chr5:179,181,111, G>A on the plus strand (C>T on the coding strand, the complement: ADAMTS2 is on the minus strand). VCF-style: chr5-179181111-G-A. GRCh37 (hg19) VCF-style: chr5-178608112-G-A.
Other names: p.Asn312=; c.936C>T, p.Asn312= (NM_021599.4).
Identifiers: ClinVar variation 353128 (VCV000353128.21), dbSNP rs35462609, ClinGen allele CA3596096.